The following is an entry in ClinVar:

NM_012330.4(KAT6B):c.3718G>A (p.Glu1240Lys)

Gene: KAT6B (lysine acetyltransferase 6B; plus strand). Cytogenetic location: 10q22.2.
Variant type: single nucleotide variant.
Coding change: c.3718G>A on transcript NM_012330.4 (MANE Select); coding-DNA position 3718, G replaced by A.
Protein change: p.Glu1240Lys; replaces glutamic acid 1240 with lysine.
Molecular consequence: missense variant.
Genome position (GRCh38, 1-based): chr10:75,028,542, G>A. VCF-style: chr10-75028542-G-A. GRCh37 (hg19) VCF-style: chr10-76788300-G-A.
Other names: c.3169G>A, p.Glu1057Lys (NM_001256468.2, NM_001370138.1); c.2842G>A, p.Glu948Lys (NM_001256469.2, NM_001370139.1, NM_001370140.1 and 2 more transcripts); c.2680G>A, p.Glu894Lys (NM_001370132.1); c.2029G>A, p.Glu677Lys (NM_001370133.1); c.1633G>A, p.Glu545Lys (NM_001370134.1); c.1375G>A, p.Glu459Lys (NM_001370135.1); c.3718G>A, p.Glu1240Lys (NM_001370136.1, NM_001370137.1); c.2653G>A, p.Glu885Lys (NM_001370143.1, NM_001370144.1); and 1 more; short protein forms E1240K, E1057K, E459K, E885K, E894K, E948K, E545K, E677K.
Identifiers: ClinVar variation 1388907 (VCV001388907.11), dbSNP rs140989004, ClinGen allele CA5564891.

ClinVar aggregate classification (germline): Conflicting classifications of pathogenicity. Review status: criteria provided, conflicting classifications (1 of 4 stars). 4 submissions from 4 submitters: Uncertain significance (1); Benign (1); Likely benign (2). Last evaluated 2026-05-07.

Conditions:
Blepharophimosis - intellectual disability syndrome, SBBYS type (SBBYSS). Also called: Say-Barber-Biesecker-Young-Simpson variant of Ohdo Syndrome; Say-Barber-Biesecker Variant of Ohdo Syndrome; Say-Barber-Biesecker variant of Ohdo syndrome (SBBYSS); Young Simpson syndrome; Mental retardation unusual facies hypothyroidism; Ohdo syndrome, SBBYS variant. Identifiers: Orphanet 3047, MedGen C1863557, MONDO:0011365, OMIM 603736.
Genitopatellar syndrome (GTPTS). Also called: Genitopatellar syndrome (GPS); ABSENT PATELLAE, SCROTAL HYPOPLASIA, RENAL ANOMALIES, FACIAL DYSMORPHISM, AND MENTAL RETARDATION. Identifiers: Orphanet 85201, MedGen C1853566, MONDO:0011640, OMIM 606170.
Inborn genetic diseases. Identifiers: MedGen C0950123, MeSH D030342.

Allele frequency attached by ClinVar (database versions not stated): gnomAD 0.00001 and 0.00003; ExAC 0.00005; TOPMed 0.00005; gnomAD exomes 0.00007 and 0.00009; 1000 Genomes Project 0.00020; 1000 Genomes Project 30x 0.00031.

Submissions (4):

Women's Health and Genetics/Laboratory Corporation of America, LabCorp
Classification: Likely benign. Last evaluated: 2026-05-07. Review status: criteria provided, single submitter. Criteria: LabCorp Variant Classification Summary - May 2015. Collection method: clinical testing. Allele origin: germline.
Comment: Variant summary: KAT6B c.3718G>A (p.Glu1240Lys) results in a conservative amino acid change in the encoded protein sequence. Algorithms developed to predict the effect of missense changes on protein structure and function are either unavailable or do not agree on the potential impact of this missense change. The variant allele was found at a frequency of 8.7e-05 in 251456 control chromosomes. This frequency is not significantly higher than estimated for disease-causing variants in KAT6B, allowing no conclusion about variant significance. However, the observation of 22 heterozygous controls is not consistent with the onset and severity of KAT6B-related conditions. To our knowledge, no occurrence of c.3718G>A in individuals affected with KAT6B-related conditions and no experimental evidence demonstrating its impact on protein function have been reported. ClinVar contains an entry for this variant (Variation ID: 1388907). Based on the evidence outlined above, the variant was classified as likely benign.

Labcorp Genetics (formerly Invitae), Labcorp
Classification: Benign for Genitopatellar syndrome. Last evaluated: 2025-10-31. Review status: criteria provided, single submitter. Criteria: Invitae Variant Classification Sherloc (09022015). Collection method: clinical testing. Allele origin: germline.

Ambry Genetics
Classification: Likely benign for Inborn genetic diseases. Last evaluated: 2024-02-27. Review status: criteria provided, single submitter. Criteria: Ambry Variant Classification Scheme 2023. Collection method: clinical testing. Allele origin: germline.

Fulgent Genetics
Classification: Uncertain significance for Blepharophimosis - intellectual disability syndrome, SBBYS type; Genitopatellar syndrome. Last evaluated: 2022-03-11. Review status: criteria provided, single submitter. Criteria: ACMG Guidelines, 2015. Collection method: clinical testing. Allele origin: unknown.